The following is an entry in ClinVar:

ClinVar aggregate classification (germline): Uncertain significance (1 of 4 stars; one submission).

Submissions (2):

GeneDx
Classification: Uncertain significance. Last evaluated: 2023-05-18. Review status: criteria provided, single submitter. Criteria: GeneDx Variant Classification Process June 2021. Collection method: clinical testing. Allele origin: germline. Affected: yes.
Comment: Not observed at significant frequency in large population cohorts (gnomAD); In silico analysis supports that this missense variant has a deleterious effect on protein structure/function; Has not been previously published as pathogenic or benign to our knowledge

Dr. Peter K. Rogan Lab, Western University
No classification provided (evidence only). Condition: Nonpapillary renal cell carcinoma. Review status: no classification provided. Collection method: in vitro. Allele origin: not applicable. Functional consequence: retained intron. Not counted in ClinVar's aggregate classification.

NM_001042750.2(STAG2):c.1651A>G (p.Lys551Glu)

Gene: STAG2 (STAG2 cohesin complex component; plus strand). Cytogenetic location: Xq25.
Variant type: single nucleotide variant.
Coding change: c.1651A>G on transcript NM_001042750.2 (MANE Select); coding-DNA position 1651, A replaced by G.
Protein change: p.Lys551Glu; replaces lysine 551 with glutamic acid.
Molecular consequence: missense variant.
Genome position (GRCh38, 1-based): chrX:124,062,914, A>G. VCF-style: chrX-124062914-A-G. GRCh37 (hg19) VCF-style: chrX-123196764-A-G.
Other names: NC_000023.10:g.123196764A>G; c.1651A>G, p.Lys551Glu (NM_001375376.1, NM_001375377.1, NM_006603.5 and 13 more transcripts); short protein forms K551E.
Identifiers: ClinVar variation 2662621 (VCV002662621.2), dbSNP rs2148319624, ClinGen allele CA414271786.